The following is an entry in ClinVar:

NM_006118.4(HAX1):c.395A>T (p.Tyr132Phe)

Gene: HAX1 (HCLS1 associated protein X-1; plus strand). Cytogenetic location: 1q21.3.
Variant type: single nucleotide variant.
Coding change: c.395A>T on transcript NM_006118.4 (MANE Select); coding-DNA position 395, A replaced by T.
Protein change: p.Tyr132Phe; replaces tyrosine 132 with phenylalanine.
Molecular consequence: missense variant.
Genome position (GRCh38, 1-based): chr1:154,273,852, A>T. VCF-style: chr1-154273852-A-T. GRCh37 (hg19) VCF-style: chr1-154246328-A-T.
Other names: c.251A>T, p.Tyr84Phe (NM_001018837.2); short protein forms Y132F, Y84F.
Identifiers: ClinVar variation 4858282 (VCV004858282.1).
Genomic context (GRCh38, chr1:154,273,852, plus strand): 5'-CAGAGACACCTGGTGAGAGACTACGGGAGGGACAGACACTTCGGGACTCAATGCTTAAGT[A>T]TCCAGATAGTCACCAGCCCAGGATCTTTGGGGGGGTCTTGGAGAGTGATGCAAGAAGTGA-3'
Protein context (NP_006109.2, residues 122-142): GQTLRDSMLK[Tyr132Phe]PDSHQPRIFG

ClinVar aggregate classification (germline): Uncertain significance (1 of 4 stars; one submission).

Conditions:
Inborn genetic diseases. Identifiers: MedGen C0950123, MeSH D030342.

Submission:

Ambry Genetics
Classification: Uncertain significance for Inborn genetic diseases. Last evaluated: 2026-05-22. Review status: criteria provided, single submitter. Criteria: Ambry Variant Classification Scheme 2023. Collection method: clinical testing. Allele origin: germline.
Comment: The p.Y132F variant (also known as c.395A>T), located in coding exon 3 of the HAX1 gene, results from an A to T substitution at nucleotide position 395. The tyrosine at codon 132 is replaced by phenylalanine, an amino acid with highly similar properties. This amino acid position is conserved. In addition, this alteration is predicted to be tolerated by in silico analysis. Based on the available evidence, the clinical significance of this variant remains unclear.